The following is an entry in ClinVar:

ClinVar aggregate classification (germline): Uncertain significance (1 of 4 stars; one submission).

Submission:

Labcorp Genetics (formerly Invitae), Labcorp
Classification: Uncertain significance. Last evaluated: 2023-12-04. Review status: criteria provided, single submitter. Criteria: Invitae Variant Classification Sherloc (09022015). Collection method: clinical testing. Allele origin: germline.
Comment: This sequence change replaces cysteine, which is neutral and slightly polar, with phenylalanine, which is neutral and non-polar, at codon 2098 of the TECTA protein (p.Cys2098Phe). This variant is not present in population databases (gnomAD no frequency). This variant has not been reported in the literature in individuals affected with TECTA-related conditions. Advanced modeling of protein sequence and biophysical properties (such as structural, functional, and spatial information, amino acid conservation, physicochemical variation, residue mobility, and thermodynamic stability) performed at Invitae indicates that this missense variant is expected to disrupt TECTA protein function with a positive predictive value of 95%. In summary, the available evidence is currently insufficient to determine the role of this variant in disease. Therefore, it has been classified as a Variant of Uncertain Significance.

NM_005422.4(TECTA):c.6293G>T (p.Cys2098Phe)

Genes: TBCEL-TECTA (TBCEL-TECTA readthrough; plus strand), TECTA (tectorin alpha; plus strand). Cytogenetic location: 11q23.3.
Variant type: single nucleotide variant.
Coding change: c.6293G>T on transcript NM_005422.4 (MANE Select); coding-DNA position 6293, G replaced by T.
Protein change: p.Cys2098Phe; replaces cysteine 2098 with phenylalanine.
Molecular consequence: missense variant.
Genome position (GRCh38, 1-based): chr11:121,189,806, G>T. VCF-style: chr11-121189806-G-T. GRCh37 (hg19) VCF-style: chr11-121060515-G-T.
Other names: c.7235G>T, p.Cys2412Phe (NM_001378761.1); short protein forms C2412F, C2098F.
Identifiers: ClinVar variation 2700938 (VCV002700938.3), dbSNP rs2497025070, ClinGen allele CA383010219.
Genomic context (GRCh38, chr11:121,189,806, plus strand): 5'-CTAACTGCTCTTTTGTAGGGCTGGACTGGTGTGAGGACAATGGAGGGTGTGAGCAGATTT[G>T]CACGAGCCGGGTGGATGGGCCTCTCTGCAGCTGTGTAACAGGAACCCTGCAGGAGGACGG-3'
Protein context (NP_005413.2, residues 2088-2108): CEDNGGCEQI[Cys2098Phe]TSRVDGPLCS